The following is an entry in ClinVar:

ClinVar aggregate classification (germline): Likely benign (1 of 4 stars; one submission).

Allele frequency attached by ClinVar (database versions not stated): gnomAD 0.00972 and 0.01040; TOPMed 0.01050; 1000 Genomes Project 30x 0.01156; 1000 Genomes Project 0.01198.
gnomAD v4.1: 2,657 of 1,478,854 alleles (0.18%); highest among the groups gnomAD compares: African/African-American, 3.3%; 45 homozygotes.

Submission:

GeneDx
Classification: Likely benign. Last evaluated: 2018-06-14. Review status: criteria provided, single submitter. Criteria: GeneDx Variant Classification (06012015). Collection method: clinical testing. Allele origin: germline. Affected: yes.
Comment: This variant is considered likely benign or benign based on one or more of the following criteria: it is a conservative change, it occurs at a poorly conserved position in the protein, it is predicted to be benign by multiple in silico algorithms, and/or has population frequency not consistent with disease.

NM_003978.5(PSTPIP1):c.642+64C>T

Gene: PSTPIP1 (proline-serine-threonine phosphatase interacting protein 1; plus strand). Cytogenetic location: 15q24.3.
Variant type: single nucleotide variant.
Coding change: c.642+64C>T on transcript NM_003978.5 (MANE Select); 64 bases into the intron after coding-DNA position 642, C replaced by T.
Molecular consequence: intron variant.
Genome position (GRCh38, 1-based): chr15:77,030,645, C>T. VCF-style: chr15-77030645-C-T. GRCh37 (hg19) VCF-style: chr15-77322986-C-T.
Other names: c.837+64C>T (NM_001321137.1); c.615+64C>T (NM_001321136.2); c.642+64C>T (NM_001321135.2).
Identifiers: ClinVar variation 675222 (VCV000675222.1), dbSNP rs79985146, ClinGen allele CA273757963.